The following is an entry in ClinVar:

NM_002087.4(GRN):c.918C>A (p.Cys306Ter)

Gene: GRN (granulin precursor; plus strand). Cytogenetic location: 17q21.31.
Variant type: single nucleotide variant.
Coding change: c.918C>A on transcript NM_002087.4 (MANE Select); coding-DNA position 918, C replaced by A.
Protein change: p.Cys306Ter; replaces cysteine 306 with a stop codon.
Molecular consequence: nonsense.
Genome position (GRCh38, 1-based): chr17:44,351,445, C>A. VCF-style: chr17-44351445-C-A. GRCh37 (hg19) VCF-style: chr17-42428813-C-A.
Other names: short protein forms C306*.
Identifiers: ClinVar variation 807426 (VCV000807426.26), dbSNP rs1598364782, ClinGen allele CA399764984.
Genomic context (GRCh38, chr17:44,351,445, plus strand): 5'-GGAGGTGAGCTGCCCAGATGGCTATACCTGCTGCCGTCTACAGTCGGGGGCCTGGGGCTG[C>A]TGCCCTTTTACCCAGGTACCCAGGGGTGGCGGGTGGGTGGGCTGAGCACAGTGTGGCAGG-3'

ClinVar aggregate classification (germline): Pathogenic. Review status: criteria provided, multiple submitters, no conflicts (2 of 4 stars). 3 submissions from 3 submitters: Pathogenic (3). Last evaluated 2024-09-01.

Conditions:
GRN-related frontotemporal lobar degeneration with Tdp43 inclusions (FTD2). Also called: DEMENTIA, HEREDITARY DYSPHASIC DISINHIBITION; FRONTOTEMPORAL LOBAR DEGENERATION WITH UBIQUITIN-POSITIVE INCLUSIONS; FTLD-TDP, GRN-RELATED; GRN Frontotemporal Dementia; FRONTOTEMPORAL DEMENTIA WITH TDP43 INCLUSIONS, GRN-RELATED. Identifiers: Orphanet 100070, Orphanet 282, MedGen C1843792, MONDO:0011842, OMIM 607485. Disease mechanism: loss of function.

Submissions (3):

CeGaT Center for Human Genetics Tuebingen
Classification: Pathogenic. Last evaluated: 2024-09-01. Review status: criteria provided, single submitter. Criteria: CeGaT Center For Human Genetics Tuebingen Variant Classification Criteria Version 2. Collection method: clinical testing. Allele origin: germline. Affected: yes. Observed: 3 variant alleles.
Comment: GRN: PVS1, PM2, PS4:Supporting

Mendelics
Classification: Pathogenic for GRN-related frontotemporal lobar degeneration with Tdp43 inclusions. Last evaluated: 2022-05-04. Review status: criteria provided, single submitter. Criteria: Mendelics Assertion Criteria 2019. Collection method: clinical testing. Allele origin: germline.

Institute of Human Genetics Munich, TUM University Hospital
Classification: Pathogenic for GRN-related frontotemporal lobar degeneration with Tdp43 inclusions. Last evaluated: 2018-02-01. Review status: criteria provided, single submitter. Criteria: Classification criteria August 2017. Collection method: clinical testing. Allele origin: germline. Inheritance: Autosomal dominant inheritance. Affected: yes. Observed: 1 heterozygote.